The following is an entry in ClinVar:

ClinVar aggregate classification (germline): Uncertain significance (0 of 4 stars; one submission).

Conditions:
ADNP-related disorder. Also called: ADNP-related condition.

Submission:

PreventionGenetics, part of Exact Sciences
Classification: Uncertain significance for ADNP-related condition. Last evaluated: 2024-09-03. Review status: no assertion criteria provided. Collection method: clinical testing. Allele origin: germline.
Comment: The ADNP c.2041A>T variant is predicted to result in the amino acid substitution p.Thr681Ser. To our knowledge, this variant has not been reported in the literature or in a large population database, indicating this variant is rare. Although we suspect that this variant may be pathogenic, at this time, the clinical significance of this variant is uncertain due to the absence of conclusive functional and genetic evidence.

NM_001282531.3(ADNP):c.2041A>T (p.Thr681Ser)

Gene: ADNP (activity dependent neuroprotector homeobox; minus strand). Cytogenetic location: 20q13.13.
Variant type: single nucleotide variant.
Coding change: c.2041A>T on transcript NM_001282531.3 (MANE Select); coding-DNA position 2041, A replaced by T.
Protein change: p.Thr681Ser; replaces threonine 681 with serine.
Molecular consequence: missense variant.
Genome position (GRCh38, 1-based): chr20:50,892,673, T>A on the plus strand (A>T on the coding strand, the complement: ADNP is on the minus strand). VCF-style: chr20-50892673-T-A. GRCh37 (hg19) VCF-style: chr20-49509210-T-A.
Other names: c.2041A>T, p.Thr681Ser (NM_001282532.2, NM_001347511.2, NM_015339.5 and 1 more transcripts); short protein forms T681S.
Identifiers: ClinVar variation 2635135 (VCV002635135.2), dbSNP rs2515581260, ClinGen allele CA408971391.